The following is an entry in ClinVar:

ClinVar aggregate classification (germline): Uncertain significance (1 of 4 stars; one submission).

Submission:

CeGaT Center for Human Genetics Tuebingen
Classification: Uncertain significance. Last evaluated: 2022-10-01. Review status: criteria provided, single submitter. Criteria: CeGaT Center For Human Genetics Tuebingen Variant Classification Criteria Version 2. Collection method: clinical testing. Allele origin: germline. Affected: yes. Observed: 2 variant alleles.
Comment: EPM2A: PM2, PM3:Supporting, PM4:Supporting, PP1

NM_005670.4(EPM2A):c.98_121del (p.Glu33_Arg41delinsGly)

Genes: EPM2A (EPM2A glucan phosphatase, laforin; minus strand), EPM2A-DT (EPM2A divergent transcript; plus strand), LOC129997381 (ATAC-STARR-seq lymphoblastoid silent region 17642; plus strand). Cytogenetic location: 6q24.3.
Variant type: Deletion.
Coding change: c.98_121del on transcript NM_005670.4 (MANE Select); coding-DNA positions 98 to 121, 24 bases deleted (AGCCGCGCGGTGCCGTCCGCCTGA).
Protein change: p.Glu33_Arg41delinsGly.
Molecular consequence: inframe indel. On other transcripts: 5 prime UTR variant (3), intron variant (1).
Genome position (GRCh38, 1-based): chr6:145,735,378-145,735,401, TCAGGCGGACGGCACCGCGCGGCT deleted on the plus strand (AGCCGCGCGGTGCCGTCCGCCTGA on the coding strand, the reverse complement: EPM2A is on the minus strand). VCF-style (leftmost placement, unchanged base first): chr6-145735377-CTCAGGCGGACGGCACCGCGCGGCT-C. GRCh37 (hg19) VCF-style: chr6-146056513-CTCAGGCGGACGGCACCGCGCGGCT-C.
Other names: c.98_121del, p.Glu33_Arg41delinsGly (NM_001018041.2, NM_001360057.2, NM_001368130.1); c.-572_-549del (NM_001360071.2); c.-526_-503del (NM_001368129.2); c.-270_-247del (NM_001368131.1); c.-114+507_-114+530del (NM_001360064.2).
Identifiers: ClinVar variation 1711642 (VCV001711642.30), dbSNP rs2534174455, ClinGen allele CA2580075179.